The following is an entry in ClinVar:

NM_144599.5(NIPA1):c.318-15C>T

Gene: NIPA1 (NIPA magnesium transporter 1; plus strand). Cytogenetic location: 15q11.2.
Variant type: single nucleotide variant.
Coding change: c.318-15C>T on transcript NM_144599.5 (MANE Select); 15 bases into the intron before coding-DNA position 318, C replaced by T.
Molecular consequence: intron variant.
Genome position (GRCh38, 1-based): chr15:22,820,298, C>T. VCF-style: chr15-22820298-C-T. GRCh37 (hg19) VCF-style: chr15-23052770-G-A.
Other names: c.93-15C>T (NM_001142275.1).
Identifiers: ClinVar variation 517751 (VCV000517751.1), dbSNP rs1555373770, ClinGen allele CA658798287.
Genomic context (GRCh38, chr15:22,820,298, plus strand): 5'-ATAAAATATCTGCTGTTAGAAGAAAGGTCAGGTAGTTTGGTTTAAACTTTAATGATTTCT[C>T]TTTTTTCAATAAAGGTCCATTTTAGCTTCCTATCTCCTGAAGGAAAAGCTCAACATCTTG-3'

ClinVar aggregate classification (germline): Likely benign (1 of 4 stars; one submission).

Allele frequency attached by ClinVar (database versions not stated): gnomAD exomes 0.00001.
gnomAD v4.1: 7 of 1,589,936 alleles (0.00044%); highest among the groups gnomAD compares: Non-Finnish European, 0.0006%; no homozygotes.

Submission:

GeneDx
Classification: Likely benign. Last evaluated: 2017-02-17. Review status: criteria provided, single submitter. Criteria: GeneDx Variant Classification (06012015). Collection method: clinical testing. Allele origin: germline. Affected: yes.
Comment: This variant is considered likely benign or benign based on one or more of the following criteria: it is a conservative change, it occurs at a poorly conserved position in the protein, it is predicted to be benign by multiple in silico algorithms, and/or has population frequency not consistent with disease.